The following is an entry in ClinVar:

NM_004933.3(CDH15):c.1827C>G (p.Ile609Met)

Genes: CDH15 (cadherin 15; plus strand), LOC130059794 (ATAC-STARR-seq lymphoblastoid silent region 7894; plus strand). Cytogenetic location: 16q24.3.
Variant type: single nucleotide variant.
Coding change: c.1827C>G on transcript NM_004933.3 (MANE Select); coding-DNA position 1827, C replaced by G.
Protein change: p.Ile609Met; replaces isoleucine 609 with methionine.
Molecular consequence: missense variant.
Genome position (GRCh38, 1-based): chr16:89,192,416, C>G. VCF-style: chr16-89192416-C-G. GRCh37 (hg19) VCF-style: chr16-89258824-C-G.
Other names: c.1827C>G (NM_004933.2); short protein forms I609M.
Identifiers: ClinVar variation 2647038 (VCV002647038.25), dbSNP rs772842256, ClinGen allele CA8239412.

ClinVar aggregate classification (germline): Conflicting classifications of pathogenicity. Review status: criteria provided, conflicting classifications (1 of 4 stars). 2 submissions from 2 submitters: Uncertain significance (1); Benign (1). Last evaluated 2025-06-16.

Allele frequency attached by ClinVar (database versions not stated): TOPMed below 0.00001; ExAC 0.00030.
gnomAD v4.1: 26 of 1,548,020 alleles (0.0017%); highest among the groups gnomAD compares: Middle Eastern, 0.31%; 2 homozygotes.

Submissions (2):

Ambry Genetics
Classification: Uncertain significance. Last evaluated: 2025-06-16. Review status: criteria provided, single submitter. Criteria: Ambry Variant Classification Scheme 2023. Collection method: clinical testing. Allele origin: germline.

CeGaT Center for Human Genetics Tuebingen
Classification: Benign. Last evaluated: 2022-06-01. Review status: criteria provided, single submitter. Criteria: CeGaT Center For Human Genetics Tuebingen Variant Classification Criteria Version 2. Collection method: clinical testing. Allele origin: germline. Affected: yes. Observed: 1 variant allele.
Comment: CDH15: BS1, BS2